The following is an entry in ClinVar:

NM_002693.3(POLG):c.586G>C (p.Val196Leu)

Genes: POLG (DNA polymerase gamma, catalytic subunit; minus strand), POLGARF (POLG alternative reading frame; minus strand). Cytogenetic location: 15q26.1.
Variant type: single nucleotide variant.
Coding change: c.586G>C on transcript NM_002693.3 (MANE Select); coding-DNA position 586, G replaced by C.
Protein change: p.Val196Leu; replaces valine 196 with leucine.
Molecular consequence: missense variant.
Genome position (GRCh38, 1-based): chr15:89,333,169, C>G on the plus strand (G>C on the coding strand, the complement: POLG is on the minus strand). VCF-style: chr15-89333169-C-G. GRCh37 (hg19) VCF-style: chr15-89876400-C-G.
Other names: c.586G>C, p.Val196Leu (NM_001126131.2); short protein forms V196L.
Identifiers: ClinVar variation 1303463 (VCV001303463.2), dbSNP rs2141814498, ClinGen allele CA393770598.

ClinVar aggregate classification (germline): Uncertain significance (1 of 4 stars; one submission).

Submission:

GeneDx
Classification: Uncertain significance. Last evaluated: 2017-04-26. Review status: criteria provided, single submitter. Criteria: GeneDx Variant Classification Process June 2021. Collection method: clinical testing. Allele origin: germline. Affected: yes.
Comment: Not observed in large population cohorts (Lek et al., 2016; McVean et al., 2012; Exome Variant Server); In silico analyses, including protein predictors and evolutionary conservation, support a deleterious effect; Has not been previously published as pathogenic or benign to our knowledge